The following is an entry in ClinVar:

ClinVar aggregate classification (germline): Uncertain significance (1 of 4 stars; one submission).

Conditions:
Malignant hyperthermia, susceptibility to, 1 (MHS1). Also called: RYR1-Related Malignant Hyperthermia Susceptibility; Anesthesia related hyperthermia; Malignant hyperpyrexia; Fulminating hyperpyrexia; Pharmacogenic myopathy; Malignant hyperthermia suceptibility 1. Identifiers: Orphanet 423, MedGen C2930980, MONDO:0007783, OMIM 145600.

Allele frequency attached by ClinVar (database versions not stated): gnomAD exomes below 0.00001; TOPMed below 0.00001.
gnomAD v4.1: 1 of 1,614,028 alleles (0.000062%); highest among the groups gnomAD compares: Non-Finnish European, 0.000085%; no homozygotes.

Submission:

All of Us Research Program, National Institutes of Health
Classification: Uncertain significance for Malignant hyperthermia, susceptibility to, 1. Last evaluated: 2023-07-22. Review status: criteria provided, single submitter. Criteria: ACMG Guidelines, 2015. Collection method: clinical testing. Allele origin: germline. Inheritance: Autosomal dominant inheritance. Observed: 2 variant alleles, 2 heterozygotes.
Comment: This missense variant replaces valine with alanine at codon 4842 of the RYR1 protein. Computational prediction suggests that this variant may have deleterious impact on protein structure and function (internally defined REVEL score threshold >= 0.7, PMID: 27666373). To our knowledge, functional studies have not been reported for this variant. This variant has not been reported in individuals affected with RYR1-related disorders in the literature. This variant has not been identified in the general population by the Genome Aggregation Database (gnomAD). The available evidence is insufficient to determine the role of this variant in disease conclusively. Therefore, this variant is classified as a Variant of Uncertain Significance.

This study involves interpretation of variants in research participants for the purpose of population health screening. Participant phenotype was not available at the time of variant classification. Additional details can be found in publication PMID: 35346344, PMCID: PMC8962531

NM_000540.3(RYR1):c.14525T>C (p.Val4842Ala)

Gene: RYR1 (ryanodine receptor 1; plus strand). Cytogenetic location: 19q13.2.
Variant type: single nucleotide variant.
Coding change: c.14525T>C on transcript NM_000540.3 (MANE Select); coding-DNA position 14525, T replaced by C.
Protein change: p.Val4842Ala; replaces valine 4842 with alanine.
Molecular consequence: missense variant.
Genome position (GRCh38, 1-based): chr19:38,580,383, T>C. VCF-style: chr19-38580383-T-C. GRCh37 (hg19) VCF-style: chr19-39071023-T-C.
Other names: c.14510T>C, p.Val4837Ala (NM_001042723.2); short protein forms V4837A, V4842A.
Identifiers: ClinVar variation 3069527 (VCV003069527.1), dbSNP rs1334535977, ClinGen allele CA405687595.